The following is an entry in ClinVar:

ClinVar aggregate classification (germline): Uncertain significance (1 of 4 stars; one submission).

Conditions:
Diffuse cerebral and cerebellar atrophy - intractable seizures - progressive microcephaly syndrome. Also called: Microcephaly, progressive, with seizures and cerebral and cerebellar atrophy. Identifiers: Orphanet 404437, MedGen C4014239, MONDO:0014335, OMIM 615760.

Allele frequency attached by ClinVar (database versions not stated): ExAC 0.00001.

Submission:

Labcorp Genetics (formerly Invitae), Labcorp
Classification: Uncertain significance for Diffuse cerebral and cerebellar atrophy - intractable seizures - progressive microcephaly syndrome. Last evaluated: 2022-08-01. Review status: criteria provided, single submitter. Criteria: Invitae Variant Classification Sherloc (09022015). Collection method: clinical testing. Allele origin: germline.
Comment: In summary, the available evidence is currently insufficient to determine the role of this variant in disease. Therefore, it has been classified as a Variant of Uncertain Significance. Algorithms developed to predict the effect of missense changes on protein structure and function (SIFT, PolyPhen-2, Align-GVGD) all suggest that this variant is likely to be tolerated. This variant has not been reported in the literature in individuals affected with QARS-related conditions. This variant is present in population databases (rs771525979, gnomAD 0.0009%). This sequence change replaces lysine, which is basic and polar, with glutamic acid, which is acidic and polar, at codon 331 of the QARS protein (p.Lys331Glu).

NM_005051.3(QARS1):c.991A>G (p.Lys331Glu)

Gene: QARS1 (glutaminyl-tRNA synthetase 1; minus strand). Cytogenetic location: 3p21.31.
Variant type: single nucleotide variant.
Coding change: c.991A>G on transcript NM_005051.3 (MANE Select); coding-DNA position 991, A replaced by G.
Protein change: p.Lys331Glu; replaces lysine 331 with glutamic acid.
Molecular consequence: missense variant. On other transcripts: non-coding transcript variant (1).
Genome position (GRCh38, 1-based): chr3:49,100,444, T>C on the plus strand (A>G on the coding strand, the complement: QARS1 is on the minus strand). VCF-style: chr3-49100444-T-C. GRCh37 (hg19) VCF-style: chr3-49137877-T-C.
Other names: c.958A>G, p.Lys320Glu (NM_001272073.2); short protein forms K331E, K320E.
Identifiers: ClinVar variation 1965882 (VCV001965882.5), dbSNP rs771525979, ClinGen allele CA2391919.
Genomic context (GRCh38, chr3:49,100,444, plus strand): 5'-GGATGAGCTCCACAGCCCACGCATATAGCTGGTCAAAATAGTCAGACGCATATGTGACTT[T>C]GTAAGGTGTGTAGCCTGGGGCAAAATGAAACAAAGTATGAGCAGCCAGCCACAAACACCC-3'
Protein context (NP_005042.1, residues 321-341): MVAWLGYTPY[Lys331Glu]VTYASDYFDQ